The following is an entry in ClinVar:

ClinVar aggregate classification (germline): Uncertain significance. Review status: criteria provided, multiple submitters, no conflicts (2 of 4 stars). 2 submissions from 2 submitters: Uncertain significance (2). Last evaluated 2023-06-27.

Conditions:
Arrhythmogenic right ventricular cardiomyopathy (ARVD). Also called: Arrhythmogenic cardiomyopathy; Arrhythmogenic Right Ventricular Cardiomyopathy (ARVC); Cardiomyopathy, ARVC; Arrhythmogenic right ventricular dysplasia. Identifiers: Orphanet 247, MedGen C0349788, MeSH D019571, MONDO:0016587. Disease mechanism: loss of function. Inheritance: Various modes of inheritance.
Arrhythmogenic right ventricular dysplasia 9 (ARVD9). Also called: Arrhythmogenic Right Ventricular Dysplasia/Cardiomyopathy 9; ARRHYTHMOGENIC RIGHT VENTRICULAR DYSPLASIA, FAMILIAL, 9. Identifiers: MedGen C1836906, MONDO:0012180, OMIM 609040.

Allele frequency attached by ClinVar (database versions not stated): gnomAD exomes below 0.00001; TOPMed below 0.00001.

Submissions (2):

Labcorp Genetics (formerly Invitae), Labcorp
Classification: Uncertain significance for Arrhythmogenic right ventricular dysplasia 9. Last evaluated: 2023-06-27. Review status: criteria provided, single submitter. Criteria: Invitae Variant Classification Sherloc (09022015). Collection method: clinical testing. Allele origin: germline.
Comment: This sequence change replaces serine, which is neutral and polar, with phenylalanine, which is neutral and non-polar, at codon 878 of the PKP2 protein (p.Ser878Phe). This variant is present in population databases (no rsID available, gnomAD 0.003%). This variant has not been reported in the literature in individuals affected with PKP2-related conditions. ClinVar contains an entry for this variant (Variation ID: 533034). An algorithm developed to predict the effect of missense changes on protein structure and function (PolyPhen-2) suggests that this variant is likely to be disruptive. In summary, the available evidence is currently insufficient to determine the role of this variant in disease. Therefore, it has been classified as a Variant of Uncertain Significance.

All of Us Research Program, National Institutes of Health
Classification: Uncertain significance for Arrhythmogenic right ventricular cardiomyopathy. Last evaluated: 2023-04-10. Review status: criteria provided, single submitter. Criteria: ACMG Guidelines, 2015. Collection method: clinical testing. Allele origin: germline. Inheritance: Autosomal dominant inheritance. Observed: 1 variant allele, 1 heterozygote.
Comment: This missense variant replaces serine with phenylalanine at codon 878 of the PKP2 protein. Computational prediction suggests that this variant may not impact protein structure and function (internally defined REVEL score threshold <= 0.5, PMID: 27666373). To our knowledge, functional studies have not been reported for this variant. This variant has been reported in an individual with a diagnosis of possible arrhythmogenic cardiomyopathy (PMID: 33652588). This variant has been identified in 1/251470 chromosomes in the general population by the Genome Aggregation Database (gnomAD). The available evidence is insufficient to determine the role of this variant in disease conclusively. Therefore, this variant is classified as a Variant of Uncertain Significance.

This study involves interpretation of variants in research participants for the purpose of population health screening. Participant phenotype was not available at the time of variant classification. Additional details can be found in publication PMID: 35346344, PMCID: PMC8962531

Literature cited by the submitters: PubMed 33652588 (cited by All of Us Research Program, National Institutes of Health).

NM_001005242.3(PKP2):c.2501C>T (p.Ser834Phe)

Gene: PKP2 (plakophilin 2; minus strand). Cytogenetic location: 12p11.21.
Variant type: single nucleotide variant.
Coding change: c.2501C>T on transcript NM_001005242.3 (MANE Select); coding-DNA position 2501, C replaced by T.
Protein change: p.Ser834Phe; replaces serine 834 with phenylalanine.
Molecular consequence: missense variant.
Genome position (GRCh38, 1-based): chr12:32,792,437, G>A on the plus strand (C>T on the coding strand, the complement: PKP2 is on the minus strand). VCF-style: chr12-32792437-G-A. GRCh37 (hg19) VCF-style: chr12-32945371-G-A.
Other names: c.2633C>T, p.Ser878Phe (NM_004572.4); short protein forms S878F, S834F.
Identifiers: ClinVar variation 533034 (VCV000533034.9), dbSNP rs1216433436, ClinGen allele CA384356697.